The following is an entry in ClinVar:

ClinVar aggregate classification (germline): Uncertain significance. Review status: criteria provided, multiple submitters, no conflicts (2 of 4 stars). 2 submissions from 2 submitters: Uncertain significance (2). Last evaluated 2025-04-29.

Conditions:
Hereditary cancer-predisposing syndrome. Also called: Neoplastic Syndromes, Hereditary; Hereditary Cancer Syndrome; Tumor predisposition; Hereditary neoplastic syndrome. Identifiers: Orphanet 140162, MedGen C0027672, MeSH D009386, MONDO:0015356.
Tuberous sclerosis 1 (TSC1). Identifiers: Orphanet 805, MedGen C1854465, MONDO:0008612, OMIM 191100.

Submissions (2):

Ambry Genetics
Classification: Uncertain significance for Hereditary cancer-predisposing syndrome. Last evaluated: 2025-04-29. Review status: criteria provided, single submitter. Criteria: Ambry Variant Classification Scheme 2023. Collection method: clinical testing. Allele origin: germline.
Comment: The p.D471V variant (also known as c.1412A>T), located in coding exon 12 of the TSC1 gene, results from an A to T substitution at nucleotide position 1412. The aspartic acid at codon 471 is replaced by valine, an amino acid with highly dissimilar properties. This amino acid position is highly conserved in available vertebrate species. In addition, this alteration is predicted to be deleterious by in silico analysis. Based on the available evidence, the clinical significance of this variant remains unclear.

Labcorp Genetics (formerly Invitae), Labcorp
Classification: Uncertain significance for Tuberous sclerosis 1. Last evaluated: 2023-04-07. Review status: criteria provided, single submitter. Criteria: Invitae Variant Classification Sherloc (09022015). Collection method: clinical testing. Allele origin: germline.
Comment: In summary, the available evidence is currently insufficient to determine the role of this variant in disease. Therefore, it has been classified as a Variant of Uncertain Significance. Advanced modeling of protein sequence and biophysical properties (such as structural, functional, and spatial information, amino acid conservation, physicochemical variation, residue mobility, and thermodynamic stability) performed at Invitae indicates that this missense variant is not expected to disrupt TSC1 protein function. This sequence change replaces aspartic acid, which is acidic and polar, with valine, which is neutral and non-polar, at codon 471 of the TSC1 protein (p.Asp471Val). ClinVar contains an entry for this variant (Variation ID: 1462503). This variant has not been reported in the literature in individuals affected with TSC1-related conditions. This variant is not present in population databases (gnomAD no frequency).

NM_000368.5(TSC1):c.1412A>T (p.Asp471Val)

Gene: TSC1 (TSC complex subunit 1; minus strand). Cytogenetic location: 9q34.13.
Variant type: single nucleotide variant.
Coding change: c.1412A>T on transcript NM_000368.5 (MANE Select); coding-DNA position 1412, A replaced by T.
Protein change: p.Asp471Val; replaces aspartic acid 471 with valine.
Molecular consequence: missense variant.
Genome position (GRCh38, 1-based): chr9:132,906,757, T>A on the plus strand (A>T on the coding strand, the complement: TSC1 is on the minus strand). VCF-style: chr9-132906757-T-A. GRCh37 (hg19) VCF-style: chr9-135782144-T-A.
Other names: c.1409A>T, p.Asp470Val (NM_001162426.2); c.1259A>T, p.Asp420Val (NM_001162427.2); c.1049A>T, p.Asp350Val (NM_001362177.2); short protein forms D470V, D471V, D350V, D420V.
Identifiers: ClinVar variation 1462503 (VCV001462503.11), dbSNP rs2131863099, ClinGen allele CA375365849.